The following is an entry in ClinVar:

ClinVar aggregate classification (germline): Uncertain significance. Review status: criteria provided, multiple submitters, no conflicts (2 of 4 stars). 4 submissions from 4 submitters: Uncertain significance (3). 1 of the submissions does not count toward it. Last evaluated 2024-11-29.

Conditions:
Alstrom syndrome (ALMS). Identifiers: Orphanet 64, MedGen C0268425, MONDO:0008763, OMIM 203800.
Cardiovascular phenotype. Identifiers: MedGen CN230736.

Allele frequency attached by ClinVar (database versions not stated): gnomAD 0.00001; ExAC 0.00002; TOPMed 0.00002; gnomAD exomes 0.00003 and 0.00005.
gnomAD v4.1: 74 of 1,613,722 alleles (0.0046%); highest among the groups gnomAD compares: Non-Finnish European, 0.0058%; no homozygotes.

Submissions (4):

Ambry Genetics
Classification: Uncertain significance for Cardiovascular phenotype. Last evaluated: 2024-11-29. Review status: criteria provided, single submitter. Criteria: Ambry Variant Classification Scheme 2023. Collection method: clinical testing. Allele origin: germline.
Comment: The p.S3292P variant (also known as c.9874T>C), located in coding exon 12 of the ALMS1 gene, results from a T to C substitution at nucleotide position 9874. The serine at codon 3292 is replaced by proline, an amino acid with similar properties. This amino acid position is not well conserved in available vertebrate species. In addition, this alteration is predicted to be tolerated by in silico analysis. Based on the available evidence, the clinical significance of this variant remains unclear.

Labcorp Genetics (formerly Invitae), Labcorp
Classification: Uncertain significance for Alstrom syndrome. Last evaluated: 2022-10-05. Review status: criteria provided, single submitter. Criteria: Invitae Variant Classification Sherloc (09022015). Collection method: clinical testing. Allele origin: germline.
Comment: This sequence change replaces serine, which is neutral and polar, with proline, which is neutral and non-polar, at codon 3292 of the ALMS1 protein (p.Ser3292Pro). This variant is present in population databases (rs759591871, gnomAD 0.006%). This variant has not been reported in the literature in individuals affected with ALMS1-related conditions. ClinVar contains an entry for this variant (Variation ID: 666793). Experimental studies and prediction algorithms are not available or were not evaluated, and the functional significance of this variant is currently unknown. In summary, the available evidence is currently insufficient to determine the role of this variant in disease. Therefore, it has been classified as a Variant of Uncertain Significance.

Laboratory for Molecular Medicine, Mass General Brigham Personalized Medicine
Classification: Uncertain significance. Last evaluated: 2021-08-12. Review status: criteria provided, single submitter. Criteria: ACMG Guidelines, 2015. Collection method: clinical testing. Allele origin: germline.
Comment: The p.Ser3292Pro variant in ALMS1 has not been previously reported in individuals with Alstrom syndrome or hearing loss. This variant has been identified in 0.005% (6/113108) European chromosomes by the Genome Aggregation Database (gnomAD; dbSNP rs759591871). Although this variant has been seen in the general population, its frequency is not high enough to rule out a pathogenic role. Computational prediction tools and conservation analysis suggest that the p.Ser3292Pro variant may impact the protein, though this information is not predictive enough to determine pathogenicity. In summary, the clinical significance of the p.Ser3292Pro variant is uncertain. ACMG/AMP Criteria applied: PM2_Supporting, PP3.

Natera, Inc.
Classification: Uncertain significance for Alstrom syndrome. Last evaluated: 2020-11-19. Review status: no assertion criteria provided. Collection method: clinical testing. Allele origin: germline. Not counted in ClinVar's aggregate classification.

NM_001378454.1(ALMS1):c.9871T>C (p.Ser3291Pro)

Gene: ALMS1 (ALMS1 centrosome and basal body associated protein; plus strand). Cytogenetic location: 2p13.1.
Variant type: single nucleotide variant.
Coding change: c.9871T>C on transcript NM_001378454.1 (MANE Select); coding-DNA position 9871, T replaced by C.
Protein change: p.Ser3291Pro; replaces serine 3291 with proline.
Molecular consequence: missense variant.
Genome position (GRCh38, 1-based): chr2:73,534,913, T>C. VCF-style: chr2-73534913-T-C. GRCh37 (hg19) VCF-style: chr2-73762040-T-C.
Other names: c.9868T>C (NM_015120.4); c.9874T>C, p.Ser3292Pro (NM_015120.4); short protein forms S3292P, S3291P.
Identifiers: ClinVar variation 666793 (VCV000666793.11), dbSNP rs759591871, ClinGen allele CA1714796.